The following is an entry in ClinVar:

ClinVar aggregate classification (germline): Likely benign. Review status: criteria provided, multiple submitters, no conflicts (2 of 4 stars). 2 submissions from 2 submitters: Likely benign (2). Last evaluated 2026-09-01.

Allele frequency attached by ClinVar (database versions not stated): gnomAD 0.00001; TOPMed 0.00001; gnomAD exomes below 0.00001; ExAC 0.00001.

Submissions (2):

CeGaT Center for Human Genetics Tuebingen
Classification: Likely benign. Last evaluated: 2026-09-01. Review status: criteria provided, single submitter. Criteria: CeGaT Center For Human Genetics Tuebingen Variant Classification Criteria Version 2. Collection method: clinical testing. Allele origin: germline. Affected: yes. Observed: 2 variant alleles.
Comment: SLC25A4: BP4, BP7

Labcorp Genetics (formerly Invitae), Labcorp
Classification: Likely benign. Last evaluated: 2023-08-07. Review status: criteria provided, single submitter. Criteria: Invitae Variant Classification Sherloc (09022015). Collection method: clinical testing. Allele origin: germline.

NM_001151.4(SLC25A4):c.546A>G (p.Gln182=)

Gene: SLC25A4 (solute carrier family 25 member 4; plus strand). Cytogenetic location: 4q35.1.
Variant type: single nucleotide variant.
Coding change: c.546A>G on transcript NM_001151.4 (MANE Select); coding-DNA position 546, A replaced by G.
Protein change: p.Gln182=; no amino-acid change (glutamine 182 retained).
Molecular consequence: synonymous variant.
Genome position (GRCh38, 1-based): chr4:185,145,198, A>G. VCF-style: chr4-185145198-A-G. GRCh37 (hg19) VCF-style: chr4-186066352-A-G.
Identifiers: ClinVar variation 2082360 (VCV002082360.11), dbSNP rs770719053, ClinGen allele CA3156486.